The following is an entry in ClinVar:

NM_177438.3(DICER1):c.4410_4411del (p.Pro1471fs)

Gene: DICER1 (dicer 1, ribonuclease III; minus strand). Cytogenetic location: 14q32.13.
Variant type: Microsatellite.
Coding change: c.4410_4411del on transcript NM_177438.3 (MANE Select); coding-DNA positions 4410 to 4411, 2 bases deleted (TC; older notation c.4410_4411delTC).
Protein change: p.Pro1471fs; shifts the reading frame from proline 1471.
Molecular consequence: frameshift variant. On other transcripts: non-coding transcript variant (6).
Genome position (GRCh38, 1-based): chr14:95,096,509-95,096,510, GA deleted on the plus strand (TC on the coding strand, the reverse complement: DICER1 is on the minus strand); deleting any 2 consecutive bases within chr14:95,096,509-95,096,512 gives the same sequence; the c. name uses the placement nearest the transcript's 3' end. VCF-style (leftmost placement, unchanged base first): chr14-95096508-GGA-G. GRCh37 (hg19) VCF-style: chr14-95562845-GGA-G.
Other names: c.4410_4411del, p.Pro1471fs (NM_001195573.1, NM_001271282.3, NM_001291628.2 and 12 more transcripts); c.4408_4409TC[1], p.Pro1471Phefs (NM_001395681.1); c.4128_4129del, p.Pro1377fs (NM_001395686.1); c.4005_4006del, p.Pro1336fs (NM_001395687.1, NM_001395688.1, NM_001395689.1 and 2 more transcripts); c.3843_3844del, p.Pro1282fs (NM_001395691.1); c.2727_2728del, p.Pro910fs (NM_001395697.1); short protein forms P1471fs, P910fs, P1377fs, P1282fs, P1336fs.
Identifiers: ClinVar variation 2043262 (VCV002043262.4), dbSNP rs2542504933, ClinGen allele CA2580612810.

ClinVar aggregate classification (germline): Pathogenic (1 of 4 stars; one submission).

Conditions:
DICER1-related tumor predisposition. Also called: DICER1-related pleuropulmonary blastoma cancer predisposition syndrome; DICER1 syndrome. Identifiers: Orphanet 284343, MedGen C3839822, MONDO:0100216.

Submission:

Labcorp Genetics (formerly Invitae), Labcorp
Classification: Pathogenic for DICER1-related tumor predisposition. Last evaluated: 2021-12-15. Review status: criteria provided, single submitter. Criteria: Invitae Variant Classification Sherloc (09022015). Collection method: clinical testing. Allele origin: germline.
Comment: For these reasons, this variant has been classified as Pathogenic. This variant has not been reported in the literature in individuals affected with DICER1-related conditions. This variant is not present in population databases (gnomAD no frequency). This sequence change creates a premature translational stop signal (p.Pro1471Phefs*5) in the DICER1 gene. It is expected to result in an absent or disrupted protein product. Loss-of-function variants in DICER1 are known to be pathogenic (PMID: 19556464, 21266384).

Literature cited by the submitters: PubMed 19556464; PubMed 21266384.